The following is an entry in ClinVar:

ClinVar aggregate classification (germline): Uncertain significance (1 of 4 stars; one submission).

Conditions:
Peroxisome biogenesis disorder, complementation group 7 (CG7). Also called: Peroxisome biogenesis disorder, complementation group B. Identifiers: MedGen C1864399.

Submission:

Labcorp Genetics (formerly Invitae), Labcorp
Classification: Uncertain significance for Peroxisome biogenesis disorder, complementation group 7. Last evaluated: 2022-07-25. Review status: criteria provided, single submitter. Criteria: Invitae Variant Classification Sherloc (09022015). Collection method: clinical testing. Allele origin: germline.
Comment: Algorithms developed to predict the effect of missense changes on protein structure and function (SIFT, PolyPhen-2, Align-GVGD) all suggest that this variant is likely to be tolerated. This variant has not been reported in the literature in individuals affected with PEX10-related conditions. This variant is not present in population databases (gnomAD no frequency). This sequence change replaces alanine, which is neutral and non-polar, with proline, which is neutral and non-polar, at codon 280 of the PEX10 protein (p.Ala280Pro). In summary, the available evidence is currently insufficient to determine the role of this variant in disease. Therefore, it has been classified as a Variant of Uncertain Significance.

NM_002617.4(PEX10):c.778G>C (p.Ala260Pro)

Gene: PEX10 (peroxisomal biogenesis factor 10; minus strand). Cytogenetic location: 1p36.32.
Variant type: single nucleotide variant.
Coding change: c.778G>C on transcript NM_002617.4 (MANE Select); coding-DNA position 778, G replaced by C.
Protein change: p.Ala260Pro; replaces alanine 260 with proline.
Molecular consequence: missense variant. On other transcripts: non-coding transcript variant (1).
Genome position (GRCh38, 1-based): chr1:2,406,618, C>G on the plus strand (G>C on the coding strand, the complement: PEX10 is on the minus strand). VCF-style: chr1-2406618-C-G. GRCh37 (hg19) VCF-style: chr1-2338057-C-G.
Other names: c.835G>C, p.Ala279Pro (NM_001374425.1); c.403G>C, p.Ala135Pro (NM_001374426.1); c.346G>C, p.Ala116Pro (NM_001374427.1); c.838G>C, p.Ala280Pro (NM_153818.2); short protein forms A116P, A135P, A260P, A279P, A280P.
Identifiers: ClinVar variation 1713765 (VCV001713765.5), dbSNP rs2522257698, ClinGen allele CA337984843.